The following is an entry in ClinVar:

NM_020937.4(FANCM):c.5497G>C (p.Val1833Leu)

Gene: FANCM (FA complementation group M; plus strand). Cytogenetic location: 14q21.2.
Variant type: single nucleotide variant.
Coding change: c.5497G>C on transcript NM_020937.4 (MANE Select); coding-DNA position 5497, G replaced by C.
Protein change: p.Val1833Leu; replaces valine 1833 with leucine.
Molecular consequence: missense variant.
Genome position (GRCh38, 1-based): chr14:45,196,328, G>C. VCF-style: chr14-45196328-G-C. GRCh37 (hg19) VCF-style: chr14-45665531-G-C.
Other names: c.5419G>C, p.Val1807Leu (NM_001308133.2); short protein forms V1807L, V1833L.
Identifiers: ClinVar variation 4825995 (VCV004825995.1).

ClinVar aggregate classification (germline): Uncertain significance (1 of 4 stars; one submission).

Conditions:
Inborn genetic diseases. Identifiers: MedGen C0950123, MeSH D030342.

gnomAD v4.1: 1 of 1,614,164 alleles (0.000062%); highest among the groups gnomAD compares: South Asian, 0.0011%; no homozygotes.

Submission:

Ambry Genetics
Classification: Uncertain significance for Inborn genetic diseases. Last evaluated: 2026-02-25. Review status: criteria provided, single submitter. Criteria: Ambry Variant Classification Scheme 2023. Collection method: clinical testing. Allele origin: germline.
Comment: The p.V1833L variant (also known as c.5497G>C), located in coding exon 21 of the FANCM gene, results from a G to C substitution at nucleotide position 5497. The valine at codon 1833 is replaced by leucine, an amino acid with highly similar properties. This amino acid position is conserved. In addition, this alteration is predicted to be tolerated by in silico analysis. Based on the available evidence, the clinical significance of this variant remains unclear.